The following is an entry in ClinVar:

ClinVar aggregate classification (germline): Pathogenic/Likely pathogenic. Review status: criteria provided, multiple submitters, no conflicts (2 of 4 stars). 4 submissions from 4 submitters: Pathogenic (2); Likely pathogenic (1). 1 of the submissions does not count toward it. Last evaluated 2026-07-29.

Conditions:
Spondylocostal dysostosis 2, autosomal recessive (SCDO2). Also called: MESP2-Related Spondylocostal Dysostosis, Autosomal Recessive; Spondylocostal dysostosis type 2. Identifiers: Orphanet 2311, MedGen C1837549, MONDO:0012097, OMIM 608681.
MESP2-related disorder. Also called: MESP2-related condition.

Submissions (4):

PreventionGenetics, part of Exact Sciences
Classification: Likely pathogenic for MESP2-related condition. Last evaluated: 2026-07-29. Review status: criteria provided, single submitter. Criteria: ACMG Guidelines, 2015. Collection method: clinical testing. Allele origin: germline.
Comment: The MESP2 c.258_261delCAGC variant is predicted to result in a frameshift and premature protein termination (p.Glu88Glyfs*31). To our knowledge, this variant has not been reported in the literature. This variant is reported in 0.0044% of alleles in individuals of Latino descent in gnomAD. Frameshift variants in MESP2 are expected to be pathogenic. This variant is interpreted as likely pathogenic.

Labcorp Genetics (formerly Invitae), Labcorp
Classification: Pathogenic. Last evaluated: 2025-12-29. Review status: criteria provided, single submitter. Criteria: Invitae Variant Classification Sherloc (09022015). Collection method: clinical testing. Allele origin: germline.
Comment: This sequence change creates a premature translational stop signal (p.Glu88Glyfs*31) in the MESP2 gene. It is expected to result in an absent or disrupted protein product. Loss-of-function variants in MESP2 are known to be pathogenic (PMID: 9242490, 18485326). The frequency data for this variant in the population databases is considered unreliable, as metrics indicate poor data quality at this position in the gnomAD database. This variant has not been reported in the literature in individuals affected with MESP2-related conditions. ClinVar contains an entry for this variant (Variation ID: 555370). For these reasons, this variant has been classified as Pathogenic.

Natera, Inc.
Classification: Pathogenic for Spondylocostal dysostosis type 2. Last evaluated: 2025-06-13. Review status: criteria provided, single submitter. Criteria: Natera Variant Classification Schema (03/2026). Collection method: clinical testing. Allele origin: germline.
Comment: The c.258_261delCAGC variant in MESP2 is a frameshift variant predicted to shift the reading frame beginning at codon 88 and leads to a stop codon 31 codons downstream. This variant is expected to result in nonsense mediated decay, truncation, or a dysfunctional protein product. This variant is rare in the general population with a frequency below the threshold expected for the associated phenotype(s). This variant has been observed in one or more individuals affected with the associated recessive disease, as either homozygous or compound heterozygous with a second variant (PMID: 32238941). Given the available evidence, this variant is classified as Pathogenic.

Counsyl
Classification: Likely pathogenic for Spondylocostal dysostosis 2, autosomal recessive. Last evaluated: 2017-12-08. Review status: no assertion criteria provided. Collection method: clinical testing. Allele origin: unknown. Not counted in ClinVar's aggregate classification.

Literature cited by the submitters: PubMed 9242490 (cited by Labcorp Genetics (formerly Invitae), Labcorp); PubMed 18485326 (cited by Labcorp Genetics (formerly Invitae), Labcorp); PubMed 32238941 (cited by Natera, Inc.).

NM_001039958.2(MESP2):c.258_261del (p.Glu88fs)

Genes: MESP2 (mesoderm posterior bHLH transcription factor 2; plus strand), LOC130057891 (ATAC-STARR-seq lymphoblastoid silent region 6806; plus strand). Cytogenetic location: 15q26.1.
Variant type: Deletion.
Coding change: c.258_261del on transcript NM_001039958.2 (MANE Select); coding-DNA positions 258 to 261, 4 bases deleted (CAGC; older notation c.258_261delCAGC).
Protein change: p.Glu88fs; shifts the reading frame from glutamic acid 88.
Molecular consequence: frameshift variant.
Genome position (GRCh38, 1-based): chr15:89,776,615-89,776,618, CAGC deleted; deleting any 4 consecutive bases within chr15:89,776,613-89,776,618 gives the same sequence; the c. name uses the placement nearest the transcript's 3' end. VCF-style (leftmost placement, unchanged base first): chr15-89776612-CGCCA-C. GRCh37 (hg19) VCF-style: chr15-90319843-CGCCA-C.
Other names: c.258_261del (NM_001039958.1); short protein forms E88fs.
Identifiers: ClinVar variation 555370 (VCV000555370.16), dbSNP rs1452984345, ClinGen allele CA619858919.